The following is an entry in ClinVar:

ClinVar aggregate classification (germline): Uncertain significance (1 of 4 stars; one submission).

Conditions:
Cornelia de Lange syndrome 1 (CDLS1). Also called: Brachmann de Lange syndrome; NIPBL-Related Cornelia de Lange Syndrome; TYPUS DEGENERATIVUS AMSTELODAMENSIS. Identifiers: Orphanet 199, MedGen C4551851, MONDO:0007387, OMIM 122470.

Submission:

Labcorp Genetics (formerly Invitae), Labcorp
Classification: Uncertain significance for Cornelia de Lange syndrome 1. Last evaluated: 2024-09-04. Review status: criteria provided, single submitter. Criteria: Invitae Variant Classification Sherloc (09022015). Collection method: clinical testing. Allele origin: germline.
Comment: This sequence change replaces glutamine, which is neutral and polar, with arginine, which is basic and polar, at codon 2368 of the NIPBL protein (p.Gln2368Arg). This variant is not present in population databases (gnomAD no frequency). This variant has not been reported in the literature in individuals affected with NIPBL-related conditions. Invitae Evidence Modeling of protein sequence and biophysical properties (such as structural, functional, and spatial information, amino acid conservation, physicochemical variation, residue mobility, and thermodynamic stability) indicates that this missense variant is expected to disrupt NIPBL protein function with a positive predictive value of 80%. In summary, the available evidence is currently insufficient to determine the role of this variant in disease. Therefore, it has been classified as a Variant of Uncertain Significance.

NM_133433.4(NIPBL):c.7103A>G (p.Gln2368Arg)

Gene: NIPBL (NIPBL cohesin loading factor; plus strand). Cytogenetic location: 5p13.2.
Variant type: single nucleotide variant.
Coding change: c.7103A>G on transcript NM_133433.4 (MANE Select); coding-DNA position 7103, A replaced by G.
Protein change: p.Gln2368Arg; replaces glutamine 2368 with arginine.
Molecular consequence: missense variant.
Genome position (GRCh38, 1-based): chr5:37,052,406, A>G. VCF-style: chr5-37052406-A-G. GRCh37 (hg19) VCF-style: chr5-37052508-A-G.
Other names: c.7103A>G, p.Gln2368Arg (NM_015384.5); short protein forms Q2368R.
Identifiers: ClinVar variation 3635360 (VCV003635360.2).